The following is an entry in ClinVar:

ClinVar aggregate classification (germline): Uncertain significance (1 of 4 stars; one submission).

Conditions:
Tumor predisposition syndrome 3 (TPDS3). Also called: Glioma susceptibility 9; LONG TELOMERE SYNDROME, POT1-RELATED; POT1 Tumor Predisposition; Melanoma, cutaneous malignant, susceptibility to, 10. Identifiers: Orphanet 618, MedGen C4014476, MONDO:0014368, OMIM 615848.

Submission:

Labcorp Genetics (formerly Invitae), Labcorp
Classification: Uncertain significance for Tumor predisposition syndrome 3. Last evaluated: 2023-05-04. Review status: criteria provided, single submitter. Criteria: Invitae Variant Classification Sherloc (09022015). Collection method: clinical testing. Allele origin: germline.
Comment: ClinVar contains an entry for this variant (Variation ID: 939326). In summary, the available evidence is currently insufficient to determine the role of this variant in disease. Therefore, it has been classified as a Variant of Uncertain Significance. Experimental studies have shown that this missense change does not substantially affect POT1 function (PMID: 28393832). Advanced modeling of protein sequence and biophysical properties (such as structural, functional, and spatial information, amino acid conservation, physicochemical variation, residue mobility, and thermodynamic stability) performed at Invitae indicates that this missense variant is not expected to disrupt POT1 protein function. This variant has not been reported in the literature in individuals affected with POT1-related conditions. This variant is not present in population databases (gnomAD no frequency). This sequence change replaces methionine, which is neutral and non-polar, with threonine, which is neutral and polar, at codon 587 of the POT1 protein (p.Met587Thr).

Literature cited by the submitters: PubMed 28393832.

NM_015450.3(POT1):c.1760T>C (p.Met587Thr)

Gene: POT1 (protection of telomeres 1; minus strand). Cytogenetic location: 7q31.33.
Variant type: single nucleotide variant.
Coding change: c.1760T>C on transcript NM_015450.3 (MANE Select); coding-DNA position 1760, T replaced by C.
Protein change: p.Met587Thr; replaces methionine 587 with threonine.
Molecular consequence: missense variant. On other transcripts: non-coding transcript variant (3).
Genome position (GRCh38, 1-based): chr7:124,825,284, A>G on the plus strand (T>C on the coding strand, the complement: POT1 is on the minus strand). VCF-style: chr7-124825284-A-G. GRCh37 (hg19) VCF-style: chr7-124465338-A-G.
Other names: c.1367T>C, p.Met456Thr (NM_001042594.2); short protein forms M456T, M587T.
Identifiers: ClinVar variation 939326 (VCV000939326.10), dbSNP rs1794602336, ClinGen allele CA369062226.